The following is an entry in ClinVar:

NM_000051.4(ATM):c.9054A>C (p.Lys3018Asn)

Genes: ATM (ATM serine/threonine kinase; plus strand), C11orf65 (chromosome 11 open reading frame 65; minus strand). Cytogenetic location: 11q22.3.
Variant type: single nucleotide variant.
Coding change: c.9054A>C on transcript NM_000051.4 (MANE Select); coding-DNA position 9054, A replaced by C.
Protein change: p.Lys3018Asn; replaces lysine 3018 with asparagine.
Molecular consequence: missense variant. On other transcripts: intron variant (2).
Genome position (GRCh38, 1-based): chr11:108,365,391, A>C. VCF-style: chr11-108365391-A-C. GRCh37 (hg19) VCF-style: chr11-108236118-A-C.
Other names: c.9054A>C, p.Lys3018Asn (NM_001351834.2); c.640+20529T>G (NM_001330368.2); c.694+20529T>G (NM_001351110.2); short protein forms K3018N.
Identifiers: ClinVar variation 2587813 (VCV002587813.2), dbSNP rs2137913524, ClinGen allele CA382531526.

ClinVar aggregate classification (germline): Uncertain significance (1 of 4 stars; one submission).

Conditions:
Hereditary cancer-predisposing syndrome. Also called: Hereditary Cancer Syndrome; Hereditary neoplastic syndrome; Neoplastic Syndromes, Hereditary; Tumor predisposition. Identifiers: Orphanet 140162, MedGen C0027672, MeSH D009386, MONDO:0015356.

Submission:

Ambry Genetics
Classification: Uncertain significance for Hereditary cancer-predisposing syndrome. Last evaluated: 2023-09-06. Review status: criteria provided, single submitter. Criteria: Ambry Variant Classification Scheme 2023. Collection method: clinical testing. Allele origin: germline.
Comment: The p.K3018N variant (also known as c.9054A>C), located in coding exon 62 of the ATM gene, results from an A to C substitution at nucleotide position 9054. The lysine at codon 3018 is replaced by asparagine, an amino acid with similar properties. This amino acid position is highly conserved in available vertebrate species. In addition, this alteration is predicted to be tolerated by in silico analysis. Since supporting evidence is limited at this time, the clinical significance of this alteration remains unclear.